The following is an entry in ClinVar:

ClinVar aggregate classification (germline): Uncertain significance (1 of 4 stars; one submission).

gnomAD v4.1: 13 of 1,613,620 alleles (0.00081%); highest among the groups gnomAD compares: Admixed American, 0.0033%; no homozygotes.

Submission:

Labcorp Genetics (formerly Invitae), Labcorp
Classification: Uncertain significance. Last evaluated: 2025-08-11. Review status: criteria provided, single submitter. Criteria: Invitae Variant Classification Sherloc (09022015). Collection method: clinical testing. Allele origin: germline.
Comment: This sequence change replaces aspartic acid, which is acidic and polar, with asparagine, which is neutral and polar, at codon 435 of the MYLK3 protein (p.Asp435Asn). This variant is present in population databases (no rsID available, gnomAD 0.003%). This variant has not been reported in the literature in individuals affected with MYLK3-related conditions. ClinVar contains an entry for this variant (Variation ID: 3618882). An algorithm developed to predict the effect of missense changes on protein structure and function (PolyPhen-2) suggests that this variant is likely to be tolerated. In summary, the available evidence is currently insufficient to determine the role of this variant in disease. Therefore, it has been classified as a Variant of Uncertain Significance.

NM_182493.3(MYLK3):c.1303G>A (p.Asp435Asn)

Gene: MYLK3 (myosin light chain kinase 3; minus strand). Cytogenetic location: 16q11.2.
Variant type: single nucleotide variant.
Coding change: c.1303G>A on transcript NM_182493.3 (MANE Select); coding-DNA position 1303, G replaced by A.
Protein change: p.Asp435Asn; replaces aspartic acid 435 with asparagine.
Molecular consequence: missense variant.
Genome position (GRCh38, 1-based): chr16:46,732,367, C>T on the plus strand (G>A on the coding strand, the complement: MYLK3 is on the minus strand). VCF-style: chr16-46732367-C-T. GRCh37 (hg19) VCF-style: chr16-46766279-C-T.
Other names: c.280G>A, p.Asp94Asn (NM_001308301.1); short protein forms D435N, D94N.
Identifiers: ClinVar variation 3618882 (VCV003618882.2).